The following is an entry in ClinVar:

ClinVar aggregate classification (germline): Uncertain significance. Review status: criteria provided, multiple submitters, no conflicts (2 of 4 stars). 2 submissions from 2 submitters: Uncertain significance (2). Last evaluated 2025-10-02.

Allele frequency attached by ClinVar (database versions not stated): gnomAD 0.00001; gnomAD exomes 0.00003; TOPMed 0.00003; ExAC 0.00009.
gnomAD v4.1: 44 of 1,613,144 alleles (0.0027%); highest among the groups gnomAD compares: South Asian, 0.028%; no homozygotes.

Submissions (2):

Ambry Genetics
Classification: Uncertain significance. Last evaluated: 2025-10-02. Review status: criteria provided, single submitter. Criteria: Ambry Variant Classification Scheme 2023. Collection method: clinical testing. Allele origin: germline.

Labcorp Genetics (formerly Invitae), Labcorp
Classification: Uncertain significance. Last evaluated: 2025-09-15. Review status: criteria provided, single submitter. Criteria: Invitae Variant Classification Sherloc (09022015). Collection method: clinical testing. Allele origin: germline.
Comment: This sequence change replaces glycine, which is neutral and non-polar, with arginine, which is basic and polar, at codon 592 of the MCM5 protein (p.Gly592Arg). This variant is present in population databases (rs751790568, gnomAD 0.04%). This variant has not been reported in the literature in individuals affected with MCM5-related conditions. ClinVar contains an entry for this variant (Variation ID: 2200467). Invitae Evidence Modeling of protein sequence and biophysical properties (such as structural, functional, and spatial information, amino acid conservation, physicochemical variation, residue mobility, and thermodynamic stability) indicates that this missense variant is not expected to disrupt MCM5 protein function with a negative predictive value of 80%. In summary, the available evidence is currently insufficient to determine the role of this variant in disease. Therefore, it has been classified as a Variant of Uncertain Significance.

NM_006739.4(MCM5):c.1774G>A (p.Gly592Arg)

Gene: MCM5 (minichromosome maintenance complex component 5; plus strand). Cytogenetic location: 22q12.3.
Variant type: single nucleotide variant.
Coding change: c.1774G>A on transcript NM_006739.4 (MANE Select); coding-DNA position 1774, G replaced by A.
Protein change: p.Gly592Arg; replaces glycine 592 with arginine.
Molecular consequence: missense variant.
Genome position (GRCh38, 1-based): chr22:35,419,954, G>A. VCF-style: chr22-35419954-G-A. GRCh37 (hg19) VCF-style: chr22-35815947-G-A.
Other names: c.1774G>A (NM_006739.3); short protein forms G592R.
Identifiers: ClinVar variation 2200467 (VCV002200467.5), dbSNP rs751790568, ClinGen allele CA10205502.
Genomic context (GRCh38, chr22:35,419,954, plus strand): 5'-CCCCGGCTGTCAGCAGAGGCTGCAGAGAAACTGAAGAACCGCTACATCATCATGCGGAGC[G>A]GGGCCCGTCAGCACGAGAGGGACAGTGACCGCCGCTCCAGCATCCCCATCACTGTGCGGT-3'
Protein context (NP_006730.2, residues 582-602): LKNRYIIMRS[Gly592Arg]ARQHERDSDR